The following is an entry in ClinVar:

NM_000124.4(ERCC6):c.289G>A (p.Val97Met)

Gene: ERCC6 (ERCC excision repair 6, chromatin remodeling factor; minus strand). Cytogenetic location: 10q11.23.
Variant type: single nucleotide variant.
Coding change: c.289G>A on transcript NM_000124.4 (MANE Select); coding-DNA position 289, G replaced by A.
Protein change: p.Val97Met; replaces valine 97 with methionine.
Molecular consequence: missense variant.
Genome position (GRCh38, 1-based): chr10:49,532,676, C>T on the plus strand (G>A on the coding strand, the complement: ERCC6 is on the minus strand). VCF-style: chr10-49532676-C-T. GRCh37 (hg19) VCF-style: chr10-50740722-C-T.
Other names: c.289G>A, p.Val97Met (NM_001277058.2, NM_001277059.2, NM_001346440.2); short protein forms V97M.
Identifiers: ClinVar variation 1029496 (VCV001029496.1), dbSNP rs1837497957, ClinGen allele CA376712623.
Genomic context (GRCh38, chr10:49,532,676, plus strand): 5'-TGGCATTGTCCACCTGCTGAAGCACTCCCTGTTCCAGCACGTCCTGGTCATAGACGTCCA[C>T]ACCCAAACCCTGCAGCTCAAGGGCCTGGGCGCTAGGCTCTACTGCCTGGATCTGATGTCG-3'
Protein context (NP_000115.1, residues 87-107): AQALELQGLG[Val97Met]DVYDQDVLEQ

ClinVar aggregate classification (germline): Uncertain significance (1 of 4 stars; one submission).

Conditions:
Cerebrooculofacioskeletal syndrome 1 (COFS1). Also called: Cerebro-oculo-facio-skeletal syndrome 1. Identifiers: MedGen C0220722, MONDO:0008955, OMIM 214150.

Allele frequency attached by ClinVar (database versions not stated): gnomAD exomes 0.00001.
gnomAD v4.1: 9 of 1,614,218 alleles (0.00056%); highest among the groups gnomAD compares: Non-Finnish European, 0.00076%; no homozygotes.

Submission:

Baylor Genetics
Classification: Uncertain significance for Cerebrooculofacioskeletal syndrome 1. Last evaluated: 2020-03-19. Review status: criteria provided, single submitter. Criteria: ACMG Guidelines, 2015. Collection method: clinical testing. Allele origin: unknown. Affected: yes.
Comment: This variant was determined to be of uncertain significance according to ACMG Guidelines, 2015 [PMID:25741868].